The following is an entry in ClinVar:

ClinVar aggregate classification (germline): Uncertain significance (1 of 4 stars; one submission).

Conditions:
Hereditary spastic paraplegia 7 (SPG7). Also called: Spastic paraplegia 7; Hereditary spastic paraplegia Paraplegin type; SPASTIC PARAPLEGIA 7, AUTOSOMAL RECESSIVE, WITH OR WITHOUT CEREBELLAR ATAXIA; Autosomal recessive spastic paraplegia type 7; SPG7-related neurologic disorder. Identifiers: Orphanet 99013, MedGen C1846564, MONDO:0011803, OMIM 607259.

Allele frequency attached by ClinVar (database versions not stated): TOPMed below 0.00001; gnomAD 0.00001; gnomAD exomes 0.00001; ESP Exome Variant Server 0.00008.

Submission:

Labcorp Genetics (formerly Invitae), Labcorp
Classification: Uncertain significance for Hereditary spastic paraplegia 7. Last evaluated: 2020-08-21. Review status: criteria provided, single submitter. Criteria: Invitae Variant Classification Sherloc (09022015). Collection method: clinical testing. Allele origin: germline.
Comment: In summary, the available evidence is currently insufficient to determine the role of this variant in disease. Therefore, it has been classified as a Variant of Uncertain Significance. Algorithms developed to predict the effect of missense changes on protein structure and function are either unavailable or do not agree on the potential impact of this missense change (SIFT: "Deleterious"; PolyPhen-2: "Benign"; Align-GVGD: "Class C0"). This variant has not been reported in the literature in individuals with SPG7-related disease. This variant is not present in population databases (ExAC no frequency). This sequence change replaces arginine with histidine at codon 656 of the SPG7 protein (p.Arg656His). The arginine residue is moderately conserved and there is a small physicochemical difference between arginine and histidine.

NM_003119.4(SPG7):c.1967G>A (p.Arg656His)

Gene: SPG7 (SPG7 matrix AAA peptidase subunit, paraplegin; plus strand). Cytogenetic location: 16q24.3.
Variant type: single nucleotide variant.
Coding change: c.1967G>A on transcript NM_003119.4 (MANE Select); coding-DNA position 1967, G replaced by A.
Protein change: p.Arg656His; replaces arginine 656 with histidine.
Molecular consequence: missense variant.
Genome position (GRCh38, 1-based): chr16:89,553,824, G>A. VCF-style: chr16-89553824-G-A. GRCh37 (hg19) VCF-style: chr16-89620232-G-A.
Other names: c.1967G>A, p.Arg656His (NM_001363850.1); short protein forms R656H.
Identifiers: ClinVar variation 655842 (VCV000655842.8), dbSNP rs373143136, ClinGen allele CA286567908.